The following is an entry in ClinVar:

NM_018344.6(SLC29A3):c.484C>T (p.Arg162Cys)

Gene: SLC29A3 (solute carrier family 29 member 3; plus strand). Cytogenetic location: 10q22.1.
Variant type: single nucleotide variant.
Coding change: c.484C>T on transcript NM_018344.6 (MANE Select); coding-DNA position 484, C replaced by T.
Protein change: p.Arg162Cys; replaces arginine 162 with cysteine.
Molecular consequence: missense variant. On other transcripts: non-coding transcript variant (1).
Genome position (GRCh38, 1-based): chr10:71,351,662, C>T. VCF-style: chr10-71351662-C-T. GRCh37 (hg19) VCF-style: chr10-73111419-C-T.
Other names: p.Arg162Cys; c.484C>T, p.Arg162Cys (NM_001174098.2); c.250C>T, p.Arg84Cys (NM_001363518.2); short protein forms R84C, R162C.
Identifiers: ClinVar variation 660039 (VCV000660039.10), dbSNP rs148381602, ClinGen allele CA5542943.

ClinVar aggregate classification (germline): Uncertain significance. Review status: criteria provided, multiple submitters, no conflicts (2 of 4 stars). 4 submissions from 4 submitters: Uncertain significance (4). Last evaluated 2025-03-31.

Conditions:
Inborn genetic diseases. Identifiers: MedGen C0950123, MeSH D030342.
H syndrome. Also called: FAISALABAD HISTIOCYTOSIS; Histiocytosis with joint contractures and sensorineural deafness; HISTIOCYTOSIS AND LYMPHADENOPATHY WITH OR WITHOUT CUTANEOUS, CARDIAC, AND/OR ENDOCRINE FEATURES, JOINT CONTRACTURES, AND/OR DEAFNESS; HYPERPIGMENTATION, CUTANEOUS, WITH HYPERTRICHOSIS, HEPATOSPLENOMEGALY, HEART ANOMALIES, AND HYPOGONADISM WITH OR WITHOUT HEARING LOSS; PIGMENTED HYPERTRICHOSIS WITH INSULIN-DEPENDENT DIABETES MELLITUS; ROSAI-DORFMAN DISEASE, FAMILIAL. Identifiers: Orphanet 168569, MedGen C1864445, MONDO:0011273, OMIM 602782.

Allele frequency attached by ClinVar (database versions not stated): gnomAD 0.00019 and 0.00023; ExAC 0.00021; TOPMed 0.00022; ESP Exome Variant Server 0.00023; gnomAD exomes 0.00023; 1000 Genomes Project 30x 0.00031; 1000 Genomes Project 0.00040.

Submissions (4):

Mayo Clinic Laboratories, Mayo Clinic
Classification: Uncertain significance. Last evaluated: 2025-03-31. Review status: criteria provided, single submitter. Criteria: ACMG Guidelines, 2015. Collection method: clinical testing. Allele origin: germline. Observed: 1 variant allele.
Comment: BP4_moderate

Blueprint Genetics
Classification: Uncertain significance. Last evaluated: 2024-10-29. Review status: criteria provided, single submitter. Criteria: ACMG Guidelines, 2015. Collection method: clinical testing. Allele origin: germline.

Ambry Genetics
Classification: Uncertain significance for Inborn genetic diseases. Last evaluated: 2023-12-21. Review status: criteria provided, single submitter. Criteria: Ambry Variant Classification Scheme 2023. Collection method: clinical testing. Allele origin: germline.

Labcorp Genetics (formerly Invitae), Labcorp
Classification: Uncertain significance for H syndrome. Last evaluated: 2023-12-15. Review status: criteria provided, single submitter. Criteria: Invitae Variant Classification Sherloc (09022015). Collection method: clinical testing. Allele origin: germline.
Comment: This sequence change replaces arginine, which is basic and polar, with cysteine, which is neutral and slightly polar, at codon 162 of the SLC29A3 protein (p.Arg162Cys). This variant is present in population databases (rs148381602, gnomAD 0.07%). This variant has not been reported in the literature in individuals affected with SLC29A3-related conditions. ClinVar contains an entry for this variant (Variation ID: 660039). Advanced modeling of protein sequence and biophysical properties (such as structural, functional, and spatial information, amino acid conservation, physicochemical variation, residue mobility, and thermodynamic stability) performed at Invitae indicates that this missense variant is not expected to disrupt SLC29A3 protein function with a negative predictive value of 80%. In summary, the available evidence is currently insufficient to determine the role of this variant in disease. Therefore, it has been classified as a Variant of Uncertain Significance.